The following is an entry in ClinVar:

ClinVar aggregate classification (germline): Pathogenic. Review status: criteria provided, multiple submitters, no conflicts (2 of 4 stars). 2 submissions from 2 submitters: Pathogenic (2). Last evaluated 2025-07-31.

Conditions:
Neurofibromatosis, type 1 (NF1). Also called: NEUROFIBROMATOSIS, TYPE I, SOMATIC; VON RECKLINGHAUSEN DISEASE; Neurofibromatosis, type I; Peripheral type neurofibromatosis. Identifiers: Orphanet 636, MedGen C0027831, MONDO:0018975, OMIM 162200. Disease mechanism: loss of function.

Submissions (2):

GeneDx
Classification: Pathogenic. Last evaluated: 2025-07-31. Review status: criteria provided, single submitter. Criteria: GeneDx Variant Classification Process June 2021. Collection method: clinical testing. Allele origin: germline. Affected: yes.
Comment: Frameshift variant predicted to result in protein truncation or nonsense mediated decay in a gene for which loss of function is a known mechanism of disease; Not observed at significant frequency in large population cohorts (gnomAD); Also known as c.5673delTAAG; This variant is associated with the following publications: (PMID: 9195229)

Labcorp Genetics (formerly Invitae), Labcorp
Classification: Pathogenic for Neurofibromatosis, type 1. Last evaluated: 2024-06-19. Review status: criteria provided, single submitter. Criteria: Invitae Variant Classification Sherloc (09022015). Collection method: clinical testing. Allele origin: germline.
Comment: This sequence change creates a premature translational stop signal (p.Ser1891Argfs*12) in the NF1 gene. It is expected to result in an absent or disrupted protein product. Loss-of-function variants in NF1 are known to be pathogenic (PMID: 10712197, 23913538). This variant is not present in population databases (gnomAD no frequency). This premature translational stop signal has been observed in individual(s) with neurofibromatosis type I (PMID: 9195229). ClinVar contains an entry for this variant (Variation ID: 1356370). RNA analysis performed to evaluate the impact of this premature translational stop signal on mRNA splicing indicates it does not significantly alter splicing (Invitae). For these reasons, this variant has been classified as Pathogenic.

Literature cited by the submitters: PubMed 10712197 (cited by Labcorp Genetics (formerly Invitae), Labcorp); PubMed 23913538 (cited by Labcorp Genetics (formerly Invitae), Labcorp); PubMed 9195229 (cited by Labcorp Genetics (formerly Invitae), Labcorp).

NM_001042492.3(NF1):c.5736_5739del (p.Ser1912fs)

Gene: NF1 (neurofibromin 1; plus strand). Cytogenetic location: 17q11.2.
Variant type: Deletion.
Coding change: c.5736_5739del on transcript NM_001042492.3 (MANE Select); coding-DNA positions 5736 to 5739, 4 bases deleted (TAAG; older notation c.5736_5739delTAAG).
Protein change: p.Ser1912fs; shifts the reading frame from serine 1912.
Molecular consequence: frameshift variant.
Genome position (GRCh38, 1-based): chr17:31,330,422-31,330,425, TAAG deleted; deleting any 4 consecutive bases within chr17:31,330,420-31,330,425 gives the same sequence; the c. name uses the placement nearest the transcript's 3' end. VCF-style (leftmost placement, unchanged base first): chr17-31330419-TAGTA-T. GRCh37 (hg19) VCF-style: chr17-29657437-TAGTA-T.
Other names: c.5673_5676delTAAG, p.Ser1891Argfs (NM_000267.4); short protein forms S1891fs, S1912fs.
Identifiers: ClinVar variation 1356370 (VCV001356370.9), dbSNP rs2151544789, ClinGen allele CA645596490.